The following is an entry in ClinVar:

ClinVar aggregate classification (germline): Uncertain significance (1 of 4 stars; one submission).

Allele frequency attached by ClinVar (database versions not stated): ExAC 0.00001; gnomAD exomes 0.00001; TOPMed 0.00001; gnomAD 0.00002.
gnomAD v4.1: 7 of 1,200,364 alleles (0.00058%); highest among the groups gnomAD compares: South Asian, 0.0018%; no homozygotes.

Submission:

Labcorp Genetics (formerly Invitae), Labcorp
Classification: Uncertain significance. Last evaluated: 2023-04-29. Review status: criteria provided, single submitter. Criteria: Invitae Variant Classification Sherloc (09022015). Collection method: clinical testing. Allele origin: germline.
Comment: In summary, the available evidence is currently insufficient to determine the role of this variant in disease. Therefore, it has been classified as a Variant of Uncertain Significance. Advanced modeling of protein sequence and biophysical properties (such as structural, functional, and spatial information, amino acid conservation, physicochemical variation, residue mobility, and thermodynamic stability) performed at Invitae indicates that this missense variant is not expected to disrupt COL4A6 protein function. This sequence change replaces methionine, which is neutral and non-polar, with valine, which is neutral and non-polar, at codon 962 of the COL4A6 protein (p.Met962Val). This variant is present in population databases (rs746890099, gnomAD 0.001%). This variant has not been reported in the literature in individuals affected with COL4A6-related conditions.

NM_033641.4(COL4A6):c.2881A>G (p.Met961Val)

Gene: COL4A6 (collagen type IV alpha 6 chain; minus strand). Cytogenetic location: Xq22.3.
Variant type: single nucleotide variant.
Coding change: c.2881A>G on transcript NM_033641.4 (MANE Select); coding-DNA position 2881, A replaced by G.
Protein change: p.Met961Val; replaces methionine 961 with valine.
Molecular consequence: missense variant.
Genome position (GRCh38, 1-based): chrX:108,175,165, T>C on the plus strand (A>G on the coding strand, the complement: COL4A6 is on the minus strand). VCF-style: chrX-108175165-T-C. GRCh37 (hg19) VCF-style: chrX-107418395-T-C.
Other names: c.2932A>G, p.Met978Val (NM_001287758.2); c.2881A>G, p.Met961Val (NM_001287759.2, NM_001287760.2); c.2884A>G, p.Met962Val (NM_001847.4); short protein forms M961V, M978V, M962V.
Identifiers: ClinVar variation 2908353 (VCV002908353.3), dbSNP rs746890099, ClinGen allele CA10487543.
Genomic context (GRCh38, chrX:108,175,165, plus strand): 5'-ATCCATTGGATCCGGCTGAGCCTTGAGAGCCTTTGTCTCCTTTGAGCCAAAGGTTTGACA[T>C]TGGACGTCTTGGACTAGGTATTCCGACTGGCCCCGGATTGCCTCTGTCTCCTGCAGGGAT-3'
Protein context (NP_378667.1, residues 951-971): PVGIPSPRRP[Met961Val]SNLWLKGDKG